The following is an entry in ClinVar:

NM_000051.4(ATM):c.5407G>C (p.Asp1803His)

Gene: ATM (ATM serine/threonine kinase; plus strand). Cytogenetic location: 11q22.3.
Variant type: single nucleotide variant.
Coding change: c.5407G>C on transcript NM_000051.4 (MANE Select); coding-DNA position 5407, G replaced by C.
Protein change: p.Asp1803His; replaces aspartic acid 1803 with histidine.
Molecular consequence: missense variant.
Genome position (GRCh38, 1-based): chr11:108,302,940, G>C. VCF-style: chr11-108302940-G-C. GRCh37 (hg19) VCF-style: chr11-108173667-G-C.
Other names: c.5407G>C, p.Asp1803His (NM_001351834.2); c.5407G>C (NM_000051.3); short protein forms D1803H.
Identifiers: ClinVar variation 1023271 (VCV001023271.9), dbSNP rs2083502901, ClinGen allele CA382543783.

ClinVar aggregate classification (germline): Uncertain significance. Review status: criteria provided, multiple submitters, no conflicts (2 of 4 stars). 2 submissions from 2 submitters: Uncertain significance (2). Last evaluated 2026-05-08.

Conditions:
Hereditary cancer-predisposing syndrome. Also called: Hereditary neoplastic syndrome; Neoplastic Syndromes, Hereditary; Tumor predisposition; Hereditary Cancer Syndrome. Identifiers: Orphanet 140162, MedGen C0027672, MeSH D009386, MONDO:0015356.
Ataxia-telangiectasia syndrome (AT). Also called: Ataxia telangiectasia (A-T); LOUIS-BAR SYNDROME; AT, COMPLEMENTATION GROUP C; Ataxia-telangiectasia, complementation group E; Ataxia-telangiectasia, complementation group D; Ataxia-telangiectasia. Identifiers: Orphanet 100, MedGen C0004135, MONDO:0008840, OMIM 208900.

Submissions (2):

Ambry Genetics
Classification: Uncertain significance for Hereditary cancer-predisposing syndrome. Last evaluated: 2026-05-08. Review status: criteria provided, single submitter. Criteria: Ambry Variant Classification Scheme 2023. Collection method: clinical testing. Allele origin: germline.
Comment: The p.D1803H variant (also known as c.5407G>C), located in coding exon 35 of the ATM gene, results from a G to C substitution at nucleotide position 5407. The aspartic acid at codon 1803 is replaced by histidine, an amino acid with similar properties. In an assay testing ATM function, this variant showed a functionally indeterminant result (Lee KS et al. Cell, 2025 Sep;188:5081-5099.e27). This amino acid position is not well conserved in available vertebrate species. In addition, this alteration is predicted to be tolerated by in silico analysis. Based on the available evidence, the clinical significance of this variant remains unclear.

Labcorp Genetics (formerly Invitae), Labcorp
Classification: Uncertain significance for Ataxia-telangiectasia syndrome. Last evaluated: 2024-02-27. Review status: criteria provided, single submitter. Criteria: Invitae Variant Classification Sherloc (09022015). Collection method: clinical testing. Allele origin: germline.
Comment: This sequence change replaces aspartic acid, which is acidic and polar, with histidine, which is basic and polar, at codon 1803 of the ATM protein (p.Asp1803His). This variant is not present in population databases (gnomAD no frequency). This variant has not been reported in the literature in individuals affected with ATM-related conditions. ClinVar contains an entry for this variant (Variation ID: 1023271). An algorithm developed to predict the effect of missense changes on protein structure and function (PolyPhen-2) suggests that this variant is likely to be disruptive. In summary, the available evidence is currently insufficient to determine the role of this variant in disease. Therefore, it has been classified as a Variant of Uncertain Significance.

Literature cited by the submitters: PubMed 40580951 (cited by Ambry Genetics).